The following is an entry in ClinVar:

NM_001374353.1(GLI2):c.1294G>A (p.Asp432Asn)

Gene: GLI2 (GLI family zinc finger 2; plus strand). Cytogenetic location: 2q14.2.
Variant type: single nucleotide variant.
Coding change: c.1294G>A on transcript NM_001374353.1 (MANE Select); coding-DNA position 1294, G replaced by A.
Protein change: p.Asp432Asn; replaces aspartic acid 432 with asparagine.
Molecular consequence: missense variant.
Genome position (GRCh38, 1-based): chr2:120,975,086, G>A. VCF-style: chr2-120975086-G-A. GRCh37 (hg19) VCF-style: chr2-121732662-G-A.
Other names: c.1345G>A, p.Asp449Asn (NM_001371271.1, NM_005270.5); c.919G>A, p.Asp307Asn (NM_001374354.1); short protein forms D307N, D449N, D432N.
Identifiers: ClinVar variation 4794301 (VCV004794301.1).

ClinVar aggregate classification (germline): Uncertain significance (1 of 4 stars; one submission).

Conditions:
Holoprosencephaly 9 (HPE9). Also called: HOLOPROSENCEPHALY WITH MICROPHTHALMIA AND FIRST BRANCHIAL ARCH ANOMALIES; PITUITARY ANOMALIES WITH HOLOPROSENCEPHALY-LIKE FEATURES. Identifiers: Orphanet 2162, MedGen C1835819, MONDO:0012563, OMIM 610829.
Postaxial polydactyly-anterior pituitary anomalies-facial dysmorphism syndrome. Also called: Culler-Jones syndrome. Identifiers: Orphanet 420584, MedGen C4014479, MONDO:0014369, OMIM 615849.

gnomAD v4.1: 123 of 1,613,840 alleles (0.0076%); highest among the groups gnomAD compares: Non-Finnish European, 0.0097%; no homozygotes.

Submission:

Labcorp Genetics (formerly Invitae), Labcorp
Classification: Uncertain significance for Postaxial polydactyly-anterior pituitary anomalies-facial dysmorphism syndrome; Holoprosencephaly 9. Last evaluated: 2025-09-03. Review status: criteria provided, single submitter. Criteria: Invitae Variant Classification Sherloc (09022015). Collection method: clinical testing. Allele origin: germline.
Comment: This sequence change replaces aspartic acid, which is acidic and polar, with asparagine, which is neutral and polar, at codon 449 of the GLI2 protein (p.Asp449Asn). This variant is present in population databases (rs13427953, gnomAD 0.02%). This variant has not been reported in the literature in individuals affected with GLI2-related conditions. Invitae Evidence Modeling of protein sequence and biophysical properties (such as structural, functional, and spatial information, amino acid conservation, physicochemical variation, residue mobility, and thermodynamic stability) indicates that this missense variant is expected to disrupt GLI2 protein function with a positive predictive value of 80%. In summary, the available evidence is currently insufficient to determine the role of this variant in disease. Therefore, it has been classified as a Variant of Uncertain Significance.